The following is an entry in ClinVar:

NM_006363.6(SEC23B):c.1421C>G (p.Pro474Arg)

Gene: SEC23B (SEC23 homolog B, COPII component; plus strand). Cytogenetic location: 20p11.23.
Variant type: single nucleotide variant.
Coding change: c.1421C>G on transcript NM_006363.6 (MANE Select); coding-DNA position 1421, C replaced by G.
Protein change: p.Pro474Arg; replaces proline 474 with arginine.
Molecular consequence: missense variant.
Genome position (GRCh38, 1-based): chr20:18,542,312, C>G. VCF-style: chr20-18542312-C-G. GRCh37 (hg19) VCF-style: chr20-18522956-C-G.
Other names: c.1421C>G, p.Pro474Arg (NM_001172745.3, NM_032985.6, NM_032986.5); c.1367C>G, p.Pro456Arg (NM_001172746.3); short protein forms P474R, P456R.
Identifiers: ClinVar variation 4794851 (VCV004794851.1).

ClinVar aggregate classification (germline): Uncertain significance (1 of 4 stars; one submission).

Conditions:
Congenital dyserythropoietic anemia, type II (CDAN2). Also called: DYSERYTHROPOIETIC ANEMIA, HEMPAS TYPE. Identifiers: Orphanet 98873, MedGen C1306589, MONDO:0009134, OMIM 224100.
Cowden syndrome 7 (CWS7). Identifiers: Orphanet 201, MedGen C4225179, MONDO:0014802, OMIM 616858.

Submission:

Labcorp Genetics (formerly Invitae), Labcorp
Classification: Uncertain significance for Congenital dyserythropoietic anemia, type II; Cowden syndrome 7. Last evaluated: 2026-01-13. Review status: criteria provided, single submitter. Criteria: Invitae Variant Classification Sherloc (09022015). Collection method: clinical testing. Allele origin: germline.
Comment: This sequence change replaces proline, which is neutral and non-polar, with arginine, which is basic and polar, at codon 474 of the SEC23B protein (p.Pro474Arg). This variant is not present in population databases (gnomAD no frequency). This variant has not been reported in the literature in individuals affected with SEC23B-related conditions. Invitae Evidence Modeling of protein sequence and biophysical properties (such as structural, functional, and spatial information, amino acid conservation, physicochemical variation, residue mobility, and thermodynamic stability) indicates that this missense variant is not expected to disrupt SEC23B protein function with a negative predictive value of 95%. In summary, the available evidence is currently insufficient to determine the role of this variant in disease. Therefore, it has been classified as a Variant of Uncertain Significance.